The following is an entry in ClinVar:

NM_000548.5(TSC2):c.4990-5G>C

Gene: TSC2 (TSC complex subunit 2; plus strand). Cytogenetic location: 16p13.3.
Variant type: single nucleotide variant.
Coding change: c.4990-5G>C on transcript NM_000548.5 (MANE Select); 5 bases into the intron before coding-DNA position 4990, G replaced by C.
Molecular consequence: intron variant.
Genome position (GRCh38, 1-based): chr16:2,087,858, G>C. VCF-style: chr16-2087858-G-C. GRCh37 (hg19) VCF-style: chr16-2137859-G-C.
Other names: c.4921-5G>C (NM_001114382.3); c.4861-5G>C (NM_021055.3, NM_001370405.1); c.4792-5G>C (NM_001363528.2); c.4858-5G>C (NM_001370404.1); c.4789-5G>C (NM_001077183.3); c.4681-5G>C (NM_001318827.2); c.4258-5G>C (NM_001318831.2); c.4645-5G>C (NM_001318829.2); and 1 more.
Identifiers: ClinVar variation 972091 (VCV000972091.12), dbSNP rs753000765, ClinGen allele CA053413.

ClinVar aggregate classification (germline): Conflicting classifications of pathogenicity. Review status: criteria provided, conflicting classifications (1 of 4 stars). 3 submissions from 3 submitters: Uncertain significance (1); Likely benign (2). Last evaluated 2025-06-05.

Conditions:
Hereditary cancer-predisposing syndrome. Also called: Tumor predisposition; Hereditary Cancer Syndrome; Neoplastic Syndromes, Hereditary; Hereditary neoplastic syndrome. Identifiers: Orphanet 140162, MedGen C0027672, MeSH D009386, MONDO:0015356.
Tuberous sclerosis 2 (TSC2). Identifiers: Orphanet 805, MedGen C1860707, MONDO:0013199, OMIM 613254.

gnomAD v4.1: 2 of 1,612,490 alleles (0.00012%); highest among the groups gnomAD compares: Non-Finnish European, 0.00017%; no homozygotes.

Submissions (3):

Myriad Genetics, Inc.
Classification: Likely benign for Tuberous sclerosis 2. Last evaluated: 2025-06-05. Review status: criteria provided, single submitter. Criteria: Myriad Autosomal Dominant, Autosomal Recessive and X-Linked Classification Criteria (2023). Collection method: clinical testing. Allele origin: unknown.
Comment: This variant is considered likely benign. This variant is intronic and is not expected to impact mRNA splicing.

Labcorp Genetics (formerly Invitae), Labcorp
Classification: Likely benign for Tuberous sclerosis 2. Last evaluated: 2023-12-03. Review status: criteria provided, single submitter. Criteria: Invitae Variant Classification Sherloc (09022015). Collection method: clinical testing. Allele origin: germline.

Ambry Genetics
Classification: Uncertain significance for Hereditary cancer-predisposing syndrome. Last evaluated: 2023-09-20. Review status: criteria provided, single submitter. Criteria: Ambry Variant Classification Scheme 2023. Collection method: clinical testing. Allele origin: germline.
Comment: The c.4990-5G>C intronic variant results from a G to C substitution 5 nucleotides upstream from coding exon 38 in the TSC2 gene. This nucleotide position is not well conserved in available vertebrate species. In silico splice site analysis predicts that this alteration will not have any significant effect on splicing. Since supporting evidence is limited at this time, the clinical significance of this alteration remains unclear.